The following is an entry in ClinVar:

NM_206937.2(LIG4):c.743C>T (p.Pro248Leu)

Gene: LIG4 (DNA ligase 4; minus strand). Cytogenetic location: 13q33.3.
Variant type: single nucleotide variant.
Coding change: c.743C>T on transcript NM_206937.2 (MANE Select); coding-DNA position 743, C replaced by T.
Protein change: p.Pro248Leu; replaces proline 248 with leucine.
Molecular consequence: missense variant.
Genome position (GRCh38, 1-based): chr13:108,210,526, G>A on the plus strand (C>T on the coding strand, the complement: LIG4 is on the minus strand). VCF-style: chr13-108210526-G-A. GRCh37 (hg19) VCF-style: chr13-108862874-G-A.
Other names: c.743C>T, p.Pro248Leu (NM_001098268.2, NM_001352598.2, NM_001352599.2 and 6 more transcripts); c.542C>T, p.Pro181Leu (NM_001330595.2); c.779C>T, p.Pro260Leu (NM_001352604.2); short protein forms P248L, P181L, P260L.
Identifiers: ClinVar variation 1377838 (VCV001377838.10), dbSNP rs2138978193, ClinGen allele CA388620744.
Genomic context (GRCh38, chr13:108,210,526, plus strand): 5'-AAACTCTGATGTTTCATATCCTTCTCAATGTGCTCAATATCTGCAATAGCAGCTAGCATT[G>A]GTTTAAATGCAGAAAATAAAGTGATAGAAATATCACTGAGTCCTACAGAAGGATCATGCA-3'
Protein context (NP_996820.1, residues 238-258): ISITLFSAFK[Pro248Leu]MLAAIADIEH

ClinVar aggregate classification (germline): Likely pathogenic. Review status: criteria provided, multiple submitters, no conflicts (2 of 4 stars). 3 submissions from 3 submitters: Likely pathogenic (3). Last evaluated 2024-07-24.

Conditions:
Inborn genetic diseases. Identifiers: MedGen C0950123, MeSH D030342.
DNA ligase IV deficiency. Identifiers: Orphanet 99812, MedGen C1847827, MONDO:0011686, OMIM 606593.

gnomAD v4.1: 3 of 1,612,424 alleles (0.00019%); highest among the groups gnomAD compares: South Asian, 0.0022%; no homozygotes.

Submissions (3):

Genetic Services Laboratory, University of Chicago
Classification: Likely pathogenic. Last evaluated: 2024-07-24. Review status: criteria provided, single submitter. Criteria: ACMG Guidelines, 2015. Collection method: clinical testing. Allele origin: germline. Affected: yes.
Comment: DNA sequence analysis of the LIG4 gene demonstrated a sequence change, c.743C>T, in exon 2 that results in an amino acid change, p.Pro248Leu. The p.Pro248Leu change affects a highly conserved amino acid residue located in a catalytic nucleotidyltransferase domain of the LIG4 protein that is known to be functional (PMID: 29980672, 34630384, 33586762). The p.Pro248Leu substitution appears to be deleterious using several in-silico pathogenicity prediction tools (SIFT, PolyPhen2, Align GVGD, REVEL). This particular amino acid change does not appear to have been described in the literature in other individuals with LIG4-related disorders. This sequence change has not been described in population databases such as ExAC and gnomAD. This sequence change has been reported in trans configuiration with the c.1271_1275del (p.Lys424Argfs*20) pathogenic sequence change in at least one individual with severe immunodeficiency at infancy (external communication). Collectively, this evidence indicates that this sequence change is likely pathogenic, however functional studies have not been performed to prove this conclusively.

Ambry Genetics
Classification: Likely pathogenic for Inborn genetic diseases. Last evaluated: 2024-04-17. Review status: criteria provided, single submitter. Criteria: Ambry Variant Classification Scheme 2023. Collection method: clinical testing. Allele origin: germline.
Comment: The c.743C>T (p.P248L) alteration is located in exon 2 (coding exon 1) of the LIG4 gene. This alteration results from a C to T substitution at nucleotide position 743, causing the proline (P) at amino acid position 248 to be replaced by a leucine (L). This variant was not reported in population-based cohorts in the Genome Aggregation Database (gnomAD). This variant has been identified in the homozygous state and/or in conjunction with other LIG4 variant(s) in individual(s) with features consistent with LIG4 syndrome; in at least one instance, the variants were identified in trans (external communication). This amino acid position is highly conserved in available vertebrate species. This alteration is predicted to be deleterious by in silico analysis. Based on the available evidence, this alteration is classified as likely pathogenic.

Labcorp Genetics (formerly Invitae), Labcorp
Classification: Likely pathogenic for DNA ligase IV deficiency. Last evaluated: 2024-03-26. Review status: criteria provided, single submitter. Criteria: Invitae Variant Classification Sherloc (09022015). Collection method: clinical testing. Allele origin: germline.
Comment: This sequence change replaces proline, which is neutral and non-polar, with leucine, which is neutral and non-polar, at codon 248 of the LIG4 protein (p.Pro248Leu). This variant is not present in population databases (gnomAD no frequency). This missense change has been observed in individual(s) with clinical features of combined immunodeficiency (Invitae). In at least one individual the data is consistent with being in trans (on the opposite chromosome) from a pathogenic variant. ClinVar contains an entry for this variant (Variation ID: 1377838). Advanced modeling of protein sequence and biophysical properties (such as structural, functional, and spatial information, amino acid conservation, physicochemical variation, residue mobility, and thermodynamic stability) performed at Invitae indicates that this missense variant is expected to disrupt LIG4 protein function with a positive predictive value of 95%. In summary, the currently available evidence indicates that the variant is pathogenic, but additional data are needed to prove that conclusively. Therefore, this variant has been classified as Likely Pathogenic.